The following is an entry in ClinVar:

NM_139215.3(TAF15):c.1668C>T (p.Gly556=)

Gene: TAF15 (TATA-box binding protein associated factor 15; plus strand). Cytogenetic location: 17q12.
Variant type: single nucleotide variant.
Coding change: c.1668C>T on transcript NM_139215.3 (MANE Select); coding-DNA position 1668, C replaced by T.
Protein change: p.Gly556=; no amino-acid change (glycine 556 retained).
Molecular consequence: synonymous variant.
Genome position (GRCh38, 1-based): chr17:35,844,967, C>T. VCF-style: chr17-35844967-C-T. GRCh37 (hg19) VCF-style: chr17-34171971-C-T.
Other names: c.1659C>T, p.Gly553= (NM_003487.4).
Identifiers: ClinVar variation 737401 (VCV000737401.6), dbSNP rs145849645, ClinGen allele CA290041742.

ClinVar aggregate classification (germline): Likely benign. Review status: criteria provided, single submitter (1 of 4 stars). 2 submissions from 2 submitters: Likely benign (1). 1 of the submissions does not count toward it. Last evaluated 2019-12-31.

Conditions:
TAF15-related disorder. Also called: TAF15-related condition.

Allele frequency attached by ClinVar (database versions not stated): ESP Exome Variant Server 0.00015; ExAC 0.00035; gnomAD exomes 0.00035; gnomAD 0.00039 and 0.00041; 1000 Genomes Project 0.00040; TOPMed 0.00042.
gnomAD v4.1: 303 of 1,607,650 alleles (0.019%); highest among the groups gnomAD compares: Admixed American, 0.12%; no homozygotes.

Submissions (2):

Labcorp Genetics (formerly Invitae), Labcorp
Classification: Likely benign. Last evaluated: 2019-12-31. Review status: criteria provided, single submitter. Criteria: Invitae Variant Classification Sherloc (09022015). Collection method: clinical testing. Allele origin: germline.

PreventionGenetics, part of Exact Sciences
Classification: Likely benign for TAF15-related condition. Last evaluated: 2019-03-27. Review status: no assertion criteria provided. Collection method: clinical testing. Allele origin: germline. Not counted in ClinVar's aggregate classification.
Comment: This variant is classified as likely benign based on ACMG/AMP sequence variant interpretation guidelines (Richards et al. 2015 PMID: 25741868, with internal and published modifications).